The following is an entry in ClinVar:

ClinVar aggregate classification (germline): Benign. Review status: criteria provided, single submitter (1 of 4 stars). 2 submissions from 2 submitters: Benign (1). 1 of the submissions does not count toward it.

Allele frequency attached by ClinVar (database versions not stated): 1000 Genomes Project 0.14217; gnomAD exomes 0.14904; 1000 Genomes Project 30x 0.14991; ExAC 0.15874; gnomAD 0.20292 and 0.21264; TOPMed 0.20472; ESP Exome Variant Server 0.22820.
gnomAD v4.1: 275,720 of 1,600,784 alleles (17%); highest among the groups gnomAD compares: African/African-American, 33%; 26,616 homozygotes.

Submissions (3):

Breakthrough Genomics
Classification: Benign. Review status: criteria provided, single submitter. Criteria: ACMG Guidelines, 2015. Collection method: not provided. Allele origin: germline. Inheritance: Unknown mechanism. Affected: yes.

Dr. Peter K. Rogan Lab, Western University
No classification provided (evidence only). Condition: Uterine carcinosarcoma. Review status: no classification provided. Collection method: in vitro. Allele origin: not applicable. Functional consequence: retained intron. Not counted in ClinVar's aggregate classification.

Genetic Services Laboratory, University of Chicago
Classification: Likely benign for AllHighlyPenetrant. Review status: no assertion criteria provided. Collection method: clinical testing. Allele origin: germline. Inheritance: Autosomal recessive inheritance. Not counted in ClinVar's aggregate classification.
Comment: Likely benign based on allele frequency in 1000 Genomes Project or ESP global frequency and its presence in a patient with a rare or unrelated disease phenotype. NOT Sanger confirmed.

NM_138982.4(MAPK10):c.1111-6C>T

Gene: MAPK10 (mitogen-activated protein kinase 10; minus strand). Cytogenetic location: 4q21.3.
Variant type: single nucleotide variant.
Coding change: c.1111-6C>T on transcript NM_138982.4 (MANE Select); 6 bases into the intron before coding-DNA position 1111, C replaced by T.
Molecular consequence: intron variant.
Genome position (GRCh38, 1-based): chr4:86,031,437, G>A on the plus strand (C>T on the coding strand, the complement: MAPK10 is on the minus strand). VCF-style: chr4-86031437-G-A. GRCh37 (hg19) VCF-style: chr4-86952590-G-A.
Other names: NC_000004.11:g.86952590G>A; c.1111-6C>T (NM_002753.6, NM_001318069.2, NM_001318067.1); c.997-6C>T (NM_001351624.2, NM_001351625.3, NM_001363657.3 and 1 more transcripts); c.676-6C>T (NM_001318068.1).
Identifiers: ClinVar variation 129586 (VCV000129586.8), dbSNP rs13103861, ClinGen allele CA153667.